The following is an entry in ClinVar:

ClinVar aggregate classification (germline): Pathogenic (1 of 4 stars; one submission).

Conditions:
Intellectual developmental disorder, X-linked, syndromic, Claes-Jensen type. Also called: Syndromic X-linked intellectual disability Claes-Jensen type; INTELLECTUAL DEVELOPMENTAL DISORDER, X-LINKED, SYNDROMIC 16; MENTAL RETARDATION, X-LINKED, SYNDROMIC 16. Identifiers: Orphanet 85279, MedGen C1845243, MONDO:0010355, OMIM 300534.

Submission:

Institute of Immunology and Genetics Kaiserslautern
Classification: Pathogenic for Intellectual developmental disorder, X-linked, syndromic, Claes-Jensen type. Last evaluated: 2026-03-04. Review status: criteria provided, single submitter. Criteria: ACMG Guidelines, 2015. Collection method: clinical testing. Allele origin: germline. Affected: yes.
Comment: ACMG Criteria: PVS1, PS2, PM2; Variant was found in heterozygous state.

NM_004187.5(KDM5C):c.3713G>A (p.Trp1238Ter)

Gene: KDM5C (lysine demethylase 5C; minus strand). Cytogenetic location: Xp11.22.
Variant type: single nucleotide variant.
Coding change: c.3713G>A on transcript NM_004187.5 (MANE Select); coding-DNA position 3713, G replaced by A.
Protein change: p.Trp1238Ter; replaces tryptophan 1238 with a stop codon.
Molecular consequence: nonsense. On other transcripts: non-coding transcript variant (3).
Genome position (GRCh38, 1-based): chrX:53,194,464, C>T on the plus strand (G>A on the coding strand, the complement: KDM5C is on the minus strand). VCF-style: chrX-53194464-C-T. GRCh37 (hg19) VCF-style: chrX-53223646-C-T.
Other names: c.3512G>A, p.Trp1171Ter (NM_001146702.2); c.3710G>A, p.Trp1237Ter (NM_001282622.3, NM_001353979.2, NM_001353982.2); c.3713G>A, p.Trp1238Ter (NM_001353978.3, NM_001353981.2, NM_001353984.2); short protein forms W1171*, W1237*, W1238*.
Identifiers: ClinVar variation 4851419 (VCV004851419.1).